The following is an entry in ClinVar:

ClinVar aggregate classification (germline): Conflicting classifications of pathogenicity. Review status: criteria provided, conflicting classifications (1 of 4 stars). 2 submissions from 2 submitters: Uncertain significance (1); Benign (1). Last evaluated 2025-01-13.

Conditions:
Hereditary cancer-predisposing syndrome. Also called: Neoplastic Syndromes, Hereditary; Tumor predisposition; Hereditary Cancer Syndrome; Hereditary neoplastic syndrome. Identifiers: Orphanet 140162, MedGen C0027672, MeSH D009386, MONDO:0015356.
BAP1-related tumor predisposition syndrome (TPDS1). Also called: COMMON Syndrome; TUMOR PREDISPOSITION SYNDROME 1; Tumor susceptibility linked to germline BAP1 mutations; BAP1 tumor predisposition syndrome. Identifiers: Orphanet 289539, MedGen C3280492, MONDO:0013692, OMIM 614327.

Submissions (2):

Ambry Genetics
Classification: Benign for Hereditary cancer-predisposing syndrome. Last evaluated: 2025-01-13. Review status: criteria provided, single submitter. Criteria: Ambry Variant Classification Scheme 2023. Collection method: clinical testing. Allele origin: germline.

Labcorp Genetics (formerly Invitae), Labcorp
Classification: Uncertain significance for BAP1-related tumor predisposition syndrome. Last evaluated: 2024-06-18. Review status: criteria provided, single submitter. Criteria: Invitae Variant Classification Sherloc (09022015). Collection method: clinical testing. Allele origin: germline.
Comment: This sequence change replaces asparagine, which is neutral and polar, with lysine, which is basic and polar, at codon 411 of the BAP1 protein (p.Asn411Lys). This variant is not present in population databases (gnomAD no frequency). This variant has not been reported in the literature in individuals affected with BAP1-related conditions. ClinVar contains an entry for this variant (Variation ID: 1756088). Advanced modeling of protein sequence and biophysical properties (such as structural, functional, and spatial information, amino acid conservation, physicochemical variation, residue mobility, and thermodynamic stability) performed at Invitae indicates that this missense variant is not expected to disrupt BAP1 protein function with a negative predictive value of 80%. In summary, the available evidence is currently insufficient to determine the role of this variant in disease. Therefore, it has been classified as a Variant of Uncertain Significance.

Literature cited by the submitters: PubMed 38969833 (cited by Ambry Genetics).

NM_004656.4(BAP1):c.1233C>G (p.Asn411Lys)

Gene: BAP1 (BRCA1 associated deubiquitinase 1; minus strand). Cytogenetic location: 3p21.1.
Variant type: single nucleotide variant.
Coding change: c.1233C>G on transcript NM_004656.4 (MANE Select); coding-DNA position 1233, C replaced by G.
Protein change: p.Asn411Lys; replaces asparagine 411 with lysine.
Molecular consequence: missense variant.
Genome position (GRCh38, 1-based): chr3:52,404,470, G>C on the plus strand (C>G on the coding strand, the complement: BAP1 is on the minus strand). VCF-style: chr3-52404470-G-C. GRCh37 (hg19) VCF-style: chr3-52438486-G-C.
Other names: c.1179C>G, p.Asn393Lys (NM_001410772.1); short protein forms N411K, N393K.
Identifiers: ClinVar variation 1756088 (VCV001756088.5), dbSNP rs1367080635, ClinGen allele CA353102796.